The following is an entry in ClinVar:

NM_001267550.2(TTN):c.104774A>C (p.Glu34925Ala)

Genes: TTN (titin; minus strand), TTN-AS1 (TTN antisense RNA 1; plus strand). Cytogenetic location: 2q31.2.
Variant type: single nucleotide variant.
Coding change: c.104774A>C on transcript NM_001267550.2 (MANE Select); coding-DNA position 104774, A replaced by C.
Protein change: p.Glu34925Ala; replaces glutamic acid 34925 with alanine.
Molecular consequence: missense variant.
Genome position (GRCh38, 1-based): chr2:178,531,841, T>G on the plus strand (A>C on the coding strand, the complement: TTN is on the minus strand). VCF-style: chr2-178531841-T-G. GRCh37 (hg19) VCF-style: chr2-179396568-T-G.
Other names: p.E33284A:GAA>GCA; p.Glu33284Ala; c.99851A>C, p.Glu33284Ala (NM_001256850.1); c.77579A>C, p.Glu25860Ala (NM_003319.4); c.97070A>C, p.Glu32357Ala (NM_133378.4); c.77954A>C, p.Glu25985Ala (NM_133432.3); c.78155A>C, p.Glu26052Ala (NM_133437.4); short protein forms E32357A, E34925A, E25985A, E33284A, E25860A, E26052A.
Identifiers: ClinVar variation 178153 (VCV000178153.79), dbSNP rs201218828, ClinGen allele CA181565.

ClinVar aggregate classification (germline): Conflicting classifications of pathogenicity. Review status: criteria provided, conflicting classifications (1 of 4 stars). 20 submissions from 16 submitters: Uncertain significance (3); Benign (5); Likely benign (12). Last evaluated 2026-08-01.

Conditions:
Cardiovascular phenotype. Identifiers: MedGen CN230736.
Autosomal recessive limb-girdle muscular dystrophy type 2J (LGMDR10). Also called: Limb-girdle muscular dystrophy, type 2J; MUSCULAR DYSTROPHY, LIMB-GIRDLE, AUTOSOMAL RECESSIVE 10. Identifiers: Orphanet 140922, MedGen C1837342, MONDO:0012127, OMIM 608807.
Dilated cardiomyopathy 1G (CMD1G). Identifiers: Orphanet 154, MedGen C1858763, MONDO:0011400, OMIM 604145.
Cardiomyopathy (CMYO). Also called: Cardiomyopathies. Identifiers: Orphanet 167848, MedGen C0878544, MONDO:0004994, HP:0001638. Inheritance: Various modes of inheritance.
Tibial muscular dystrophy (TMD). Also called: Udd Distal Myopathy – Tibial Muscular Dystrophy; UDD MYOPATHY; Tibial muscular dystrophy, tardive. Identifiers: Orphanet 609, MedGen C1838244, MONDO:0010870, OMIM 600334.
Early-onset myopathy with fatal cardiomyopathy (CMYO5). Also called: Salih Myopathy; CONGENITAL MYOPATHY 5 WITH CARDIOMYOPATHY. Identifiers: Orphanet 289377, MedGen C2673677, MONDO:0012714, OMIM 611705. Disease mechanism: loss of function.
Myopathy, myofibrillar, 9, with early respiratory failure (MFM9). Also called: Myopathy, distal, with early respiratory failure, autosomal dominant; EDSTROM MYOPATHY; MYOPATHY, PROXIMAL, WITH EARLY RESPIRATORY MUSCLE INVOLVEMENT; Hereditary myopathy with early respiratory failure. Identifiers: Orphanet 178464, Orphanet 34521, MedGen C1863599, MONDO:0011362, OMIM 603689.

Allele frequency attached by ClinVar (database versions not stated): 1000 Genomes Project 30x 0.00031; TOPMed 0.00077; ESP Exome Variant Server 0.00099; gnomAD 0.00105 and 0.00113; gnomAD exomes 0.00136 and 0.00164; ExAC 0.00234.
gnomAD v4.1: 2,119 of 1,613,860 alleles (0.13%); highest among the groups gnomAD compares: Non-Finnish European, 0.15%; 5 homozygotes.

Submissions (20):

CeGaT Center for Human Genetics Tuebingen
Classification: Likely benign. Last evaluated: 2026-08-01. Review status: criteria provided, single submitter. Criteria: CeGaT Center For Human Genetics Tuebingen Variant Classification Criteria Version 2. Collection method: clinical testing. Allele origin: germline. Affected: yes. Observed: 9 variant alleles.
Comment: TTN: BS2

Labcorp Genetics (formerly Invitae), Labcorp
Classification: Likely benign for Dilated cardiomyopathy 1G; Autosomal recessive limb-girdle muscular dystrophy type 2J. Last evaluated: 2026-02-02. Review status: criteria provided, single submitter. Criteria: Invitae Variant Classification Sherloc (09022015). Collection method: clinical testing. Allele origin: germline.

Mayo Clinic Laboratories, Mayo Clinic
Classification: Benign. Last evaluated: 2025-07-30. Review status: criteria provided, single submitter. Criteria: ACMG Guidelines, 2015. Collection method: clinical testing. Allele origin: germline. Observed: 3 variant alleles.
Comment: BS1, BS2

Molecular Diagnostic Laboratory for Inherited Cardiovascular Disease, Montreal Heart Institute
Classification: Likely benign. Last evaluated: 2025-04-09. Review status: criteria provided, single submitter. Criteria: ACMG Guidelines, 2015. Collection method: clinical testing. Allele origin: germline. Affected: no.

Blueprint Genetics
Classification: Likely benign. Last evaluated: 2024-10-15. Review status: criteria provided, single submitter. Criteria: ACMG Guidelines, 2015. Collection method: clinical testing. Allele origin: germline.

ARUP Laboratories, Molecular Genetics and Genomics, ARUP Laboratories
Classification: Likely benign. Last evaluated: 2023-12-11. Review status: criteria provided, single submitter. Criteria: ARUP Molecular Germline Variant Investigation Process 2024. Collection method: clinical testing. Allele origin: germline.

Women's Health and Genetics/Laboratory Corporation of America, LabCorp
Classification: Likely benign. Last evaluated: 2020-12-14. Review status: criteria provided, single submitter. Criteria: LabCorp Variant Classification Summary - May 2015. Collection method: clinical testing. Allele origin: germline.
Comment: Variant summary: TTN c.97070A>C (p.Glu32357Ala) results in a non-conservative amino acid change located in the M-band region of the encoded protein sequence. Four of five in-silico tools predict a damaging effect of the variant on protein function. The variant allele was found at a frequency of 0.0016 in 248550 control chromosomes. The observed variant frequency is approximately 4.2- fold the estimated maximal expected allele frequency for a pathogenic variant in TTN causing Dilated Cardiomyopathy phenotype (0.00039), strongly suggesting that the variant is benign. c.97070A>C has been reported in the literature in at least one individual affected with Hypertrophic Cardiomyopathy (e.g. Lopes_2013) . This report does not provide unequivocal conclusions about association of the variant with Dilated Cardiomyopathy. To our knowledge, no experimental evidence demonstrating an impact on protein function has been reported. Ten other clinical diagnostic laboratories have submitted clinical-significance assessments for this variant to ClinVar after 2014 without evidence for independent evaluation. Multiple laboratories reported the variant with conflicting assessments (Benign/Likely Benign, n=8; Uncertain Significance, n=2). Based on the evidence outlined above, the variant was classified as likely benign.

GeneDx
Classification: Likely benign. Last evaluated: 2020-09-17. Review status: criteria provided, single submitter. Criteria: GeneDx Variant Classification Process June 2021. Collection method: clinical testing. Allele origin: germline. Affected: yes.
Comment: This variant is associated with the following publications: (PMID: 23861362, 23396983, 30724488)

Center for Advanced Laboratory Medicine, UC San Diego Health, University of California San Diego
Classification: Likely benign for Cardiomyopathy. Last evaluated: 2019-02-16. Review status: criteria provided, single submitter. Criteria: ACMG Guidelines, 2015. Collection method: clinical testing. Allele origin: germline. Affected: yes. Observed: 2 variant alleles.

Ambry Genetics
Classification: Likely benign for Cardiovascular phenotype. Last evaluated: 2018-10-26. Review status: criteria provided, single submitter. Criteria: Ambry Variant Classification Scheme 2023. Collection method: clinical testing. Allele origin: germline.

Laboratory for Molecular Medicine, Mass General Brigham Personalized Medicine
Classification: Benign. Last evaluated: 2018-06-11. Review status: criteria provided, single submitter. Criteria: LMM Criteria. Collection method: clinical testing. Allele origin: germline. Observed: 6 variant alleles.
Comment: proposed classification - variant undergoing re-assessment, contact laboratory

Illumina Laboratory Services, Illumina
Classification: Benign for Myopathy, myofibrillar, 9, with early respiratory failure. Last evaluated: 2018-01-13. Review status: criteria provided, single submitter. Criteria: ICSL Variant Classification Criteria 13 December 2019. Collection method: clinical testing. Allele origin: germline.
Comment: This variant was observed in the ICSL laboratory as part of a predisposition screen in an ostensibly healthy population. It had not been previously curated by ICSL or reported in the Human Gene Mutation Database (HGMD: prior to June 1st, 2018), and was therefore a candidate for classification through an automated scoring system. Utilizing variant allele frequency, disease prevalence and penetrance estimates, and inheritance mode, an automated score was calculated to assess if this variant is too frequent to cause the disease. Based on the score and internal cut-off values, a variant classified as benign is not then subjected to further curation. The score for this variant resulted in a classification of benign for this disease.

Illumina Laboratory Services, Illumina
Classification: Uncertain significance for Early-onset myopathy with fatal cardiomyopathy. Last evaluated: 2018-01-13. Review status: criteria provided, single submitter. Criteria: ICSL Variant Classification Criteria 13 December 2019. Collection method: clinical testing. Allele origin: germline.

Illumina Laboratory Services, Illumina
Classification: Uncertain significance for Dilated cardiomyopathy 1G. Last evaluated: 2018-01-13. Review status: criteria provided, single submitter. Criteria: ICSL Variant Classification Criteria 13 December 2019. Collection method: clinical testing. Allele origin: germline.

Illumina Laboratory Services, Illumina
Classification: Uncertain significance for Autosomal recessive limb-girdle muscular dystrophy type 2J. Last evaluated: 2018-01-13. Review status: criteria provided, single submitter. Criteria: ICSL Variant Classification Criteria 13 December 2019. Collection method: clinical testing. Allele origin: germline.

Illumina Laboratory Services, Illumina
Classification: Benign for Tibial muscular dystrophy. Last evaluated: 2018-01-13. Review status: criteria provided, single submitter. Criteria: ICSL Variant Classification Criteria 13 December 2019. Collection method: clinical testing. Allele origin: germline.
Comment: the same text as in the submission from Illumina Laboratory Services, Illumina above.

CHEO Genetics Diagnostic Laboratory, Children's Hospital of Eastern Ontario
Classification: Benign for Cardiomyopathy. Last evaluated: 2017-03-28. Review status: criteria provided, single submitter. Criteria: ACMG Guidelines, 2015. Collection method: clinical testing. Allele origin: germline. Study: Canadian Open Genetics Repository.

Eurofins Ntd Llc (ga)
Classification: Likely benign. Last evaluated: 2015-07-08. Review status: criteria provided, single submitter. Criteria: EGL Classification Definitions 2015. Collection method: clinical testing. Allele origin: germline. Observed: 1 variant allele, 1 heterozygote.

Biesecker Lab/Clinical Genomics Section, National Institutes of Health
Classification: Likely benign. Last evaluated: 2013-06-24. Review status: criteria provided, single submitter. Criteria: Ng et al. (Circ Cardiovasc Genet. 2013). Collection method: research. Allele origin: unknown. Observed: 2 variant alleles. Study: ClinSeq.
Comment: The study set was not selected for affection status in relation to any cancer. Pathogenicity categories were based on literature curation. See Pubmed ID:23861362 for details.

Medical sequencing

PreventionGenetics, part of Exact Sciences
Classification: Likely benign. Review status: criteria provided, single submitter. Criteria: ACMG Guidelines, 2015. Collection method: clinical testing. Allele origin: germline.

Literature cited by the submitters: PubMed 23396983 (cited by Women's Health and Genetics/Laboratory Corporation of America, LabCorp and Ambry Genetics); PubMed 30724488 (cited by Women's Health and Genetics/Laboratory Corporation of America, LabCorp).